The following is an entry in ClinVar:

NM_000444.6(PHEX):c.626C>T (p.Ser209Phe)

Gene: PHEX (phosphate regulating endopeptidase X-linked; plus strand). Cytogenetic location: Xp22.11.
Variant type: single nucleotide variant.
Coding change: c.626C>T on transcript NM_000444.6 (MANE Select); coding-DNA position 626, C replaced by T.
Protein change: p.Ser209Phe; replaces serine 209 with phenylalanine.
Molecular consequence: missense variant.
Genome position (GRCh38, 1-based): chrX:22,077,665, C>T. VCF-style: chrX-22077665-C-T. GRCh37 (hg19) VCF-style: chrX-22095783-C-T.
Other names: c.626C>T, p.Ser209Phe (NM_001282754.2); short protein forms S209F.
Identifiers: ClinVar variation 3613987 (VCV003613987.2).

ClinVar aggregate classification (germline): Uncertain significance (1 of 4 stars; one submission).

gnomAD v4.1: 1 of 1,206,760 alleles (0.000083%); highest among the groups gnomAD compares: Admixed American, 0.0022%; no homozygotes.

Submission:

Labcorp Genetics (formerly Invitae), Labcorp
Classification: Uncertain significance. Last evaluated: 2024-05-01. Review status: criteria provided, single submitter. Criteria: Invitae Variant Classification Sherloc (09022015). Collection method: clinical testing. Allele origin: germline.
Comment: This sequence change replaces serine, which is neutral and polar, with phenylalanine, which is neutral and non-polar, at codon 209 of the PHEX protein (p.Ser209Phe). This variant is present in population databases (rs774768015, gnomAD 0.004%). This variant has not been reported in the literature in individuals affected with PHEX-related conditions. Advanced modeling of protein sequence and biophysical properties (such as structural, functional, and spatial information, amino acid conservation, physicochemical variation, residue mobility, and thermodynamic stability) has been performed at Invitae for this missense variant, however the output from this modeling did not meet the statistical confidence thresholds required to predict the impact of this variant on PHEX protein function. In summary, the available evidence is currently insufficient to determine the role of this variant in disease. Therefore, it has been classified as a Variant of Uncertain Significance.